The following is an entry in ClinVar:

ClinVar aggregate classification (germline): Likely benign (1 of 4 stars; one submission).

Conditions:
CYP27A1-related disorder. Also called: CYP27A1-related condition.

gnomAD v4.1: 1 of 1,613,974 alleles (0.000062%); highest among the groups gnomAD compares: South Asian, 0.0011%; no homozygotes.

Submission:

PreventionGenetics, part of Exact Sciences
Classification: Likely benign for CYP27A1-related condition. Last evaluated: 2026-05-28. Review status: criteria provided, single submitter. Criteria: ACMG Guidelines, 2015. Collection method: clinical testing. Allele origin: germline.
Comment: This variant is classified as likely benign based on ACMG/AMP sequence variant interpretation guidelines (Richards et al. 2015 PMID: 25741868, with internal and published modifications).

NM_000784.4(CYP27A1):c.330T>C (p.Ser110=)

Gene: CYP27A1 (cytochrome P450 family 27 subfamily A member 1; plus strand). Cytogenetic location: 2q35.
Variant type: single nucleotide variant.
Coding change: c.330T>C on transcript NM_000784.4 (MANE Select); coding-DNA position 330, T replaced by C.
Protein change: p.Ser110=; no amino-acid change (serine 110 retained).
Molecular consequence: synonymous variant.
Genome position (GRCh38, 1-based): chr2:218,809,651, T>C. VCF-style: chr2-218809651-T-C. GRCh37 (hg19) VCF-style: chr2-219674374-T-C.
Identifiers: ClinVar variation 4995596 (VCV004995596.1).